The following is an entry in ClinVar:

NM_001032283.3(TMPO):c.328C>A (p.Leu110Ile)

Gene: TMPO (thymopoietin; plus strand). Cytogenetic location: 12q23.1.
Variant type: single nucleotide variant.
Coding change: c.328C>A on transcript NM_001032283.3 (MANE Select); coding-DNA position 328, C replaced by A.
Protein change: p.Leu110Ile; replaces leucine 110 with isoleucine.
Molecular consequence: missense variant.
Genome position (GRCh38, 1-based): chr12:98,527,934, C>A. VCF-style: chr12-98527934-C-A. GRCh37 (hg19) VCF-style: chr12-98921712-C-A.
Other names: c.328C>A, p.Leu110Ile (NM_001032284.3, NM_001307975.2, NM_003276.2); short protein forms L110I.
Identifiers: ClinVar variation 3223175 (VCV003223175.1), dbSNP rs1302280025, ClinGen allele CA386150805.

ClinVar aggregate classification (germline): Uncertain significance (1 of 4 stars; one submission).

Submission:

Ambry Genetics
Classification: Uncertain significance. Last evaluated: 2023-10-27. Review status: criteria provided, single submitter. Criteria: Ambry Variant Classification Scheme 2023. Collection method: clinical testing. Allele origin: germline.
Comment: The p.L110I variant (also known as c.328C>A), located in coding exon 2 of the TMPO gene, results from a C to A substitution at nucleotide position 328. The leucine at codon 110 is replaced by isoleucine, an amino acid with highly similar properties. This amino acid position is conserved. In addition, this alteration is predicted to be tolerated by in silico analysis. Since supporting evidence is limited at this time, the clinical significance of this alteration remains unclear.